The following is an entry in ClinVar:

NM_181486.4(TBX5):c.394C>A (p.Pro132Thr)

Gene: TBX5 (T-box transcription factor 5; minus strand). Cytogenetic location: 12q24.21.
Variant type: single nucleotide variant.
Coding change: c.394C>A on transcript NM_181486.4 (MANE Select); coding-DNA position 394, C replaced by A.
Protein change: p.Pro132Thr; replaces proline 132 with threonine.
Molecular consequence: missense variant.
Genome position (GRCh38, 1-based): chr12:114,398,689, G>T on the plus strand (C>A on the coding strand, the complement: TBX5 is on the minus strand). VCF-style: chr12-114398689-G-T. GRCh37 (hg19) VCF-style: chr12-114836494-G-T.
Other names: c.394C>A, p.Pro132Thr (NM_000192.3); c.244C>A, p.Pro82Thr (NM_080717.4); short protein forms P132T, P82T.
Identifiers: ClinVar variation 1709051 (VCV001709051.2), dbSNP rs2540471641, ClinGen allele CA386862188.

ClinVar aggregate classification (germline): Likely pathogenic (1 of 4 stars; one submission).

Conditions:
Holt-Oram syndrome (HOS). Also called: TBX5-Related Holt-Oram Syndrome; Ventriculo-radial syndrome; Cardiac-limb syndrome; Heart-hand syndrome, type 1. Identifiers: Orphanet 392, MedGen C0265264, MONDO:0007732, OMIM 142900.

Submission:

MGZ Medical Genetics Center
Classification: Likely pathogenic for Holt-Oram syndrome. Last evaluated: 2022-02-08. Review status: criteria provided, single submitter. Criteria: ACMG Guidelines, 2015. Collection method: clinical testing. Allele origin: germline. Affected: yes. Observed: 1 variant allele.
Comment: ACMG criteria applied: PS2_MOD, PM5, PM2_SUP, PP3